The following is an entry in ClinVar:

ClinVar aggregate classification (germline): Pathogenic. Review status: reviewed by expert panel (3 of 4 stars). 2 submissions from 2 submitters: Pathogenic (1). 1 of the submissions does not count toward it. Last evaluated 2016-10-18.

Conditions:
Breast-ovarian cancer, familial, susceptibility to, 1 (BROVCA1). Also called: BRCA1 Hereditary Breast and Ovarian Cancer; OVARIAN CANCER, SUSCEPTIBILITY TO. Identifiers: Orphanet 145, MedGen C2676676, MONDO:0011450, OMIM 604370. Disease mechanism: loss of function.

Submissions (2):

Evidence-based Network for the Interpretation of Germline Mutant Alleles (ENIGMA)
Classification: Pathogenic for Breast-ovarian cancer, familial, susceptibility to, 1. Last evaluated: 2016-10-18. Review status: reviewed by expert panel. Criteria: ENIGMA BRCA1/2 Classification Criteria (2015). Collection method: curation. Allele origin: germline.
Comment: Variant allele predicted to encode a truncated non-functional protein.

Consortium of Investigators of Modifiers of BRCA1/2 (CIMBA), c/o University of Cambridge
Classification: Pathogenic for Breast-ovarian cancer, familial, susceptibility to, 1. Last evaluated: 2015-10-02. Review status: criteria provided, single submitter. Criteria: CIMBA Mutation Classification guidelines May 2016. Collection method: clinical testing. Allele origin: germline. Not counted in ClinVar's aggregate classification.

NM_007294.4(BRCA1):c.1953del (p.Lys654fs)

Gene: BRCA1 (BRCA1 DNA repair associated; minus strand). Cytogenetic location: 17q21.31.
Variant type: Deletion.
Coding change: c.1953del on transcript NM_007294.4 (MANE Select); coding-DNA position 1953, one base deleted (G; older notation c.1953delG).
Protein change: p.Lys654fs; shifts the reading frame from lysine 654.
Molecular consequence: frameshift variant. On other transcripts: intron variant (137).
Genome position (GRCh38, 1-based): chr17:43,093,578, C deleted on the plus strand (G on the coding strand, the reverse complement: BRCA1 is on the minus strand). VCF-style (leftmost placement, unchanged base first): chr17-43093577-TC-T. GRCh37 (hg19) VCF-style: chr17-41245594-TC-T.
Other names: 2072delG; c.1740del, p.Lys583fs (NM_001407571.1, NM_001407853.1, NM_001407894.1 and 9 more transcripts); c.1953del, p.Lys654fs (NM_001407581.1, NM_001407582.1, NM_001407583.1 and 30 more transcripts); c.1950del, p.Lys653fs (NM_001407587.1, NM_001407590.1, NM_001407591.1 and 22 more transcripts); c.1944del, p.Lys651fs (NM_001407646.1, NM_001407647.1); c.1830del, p.Lys613fs (NM_001407648.1, NM_001407664.1, NM_001407665.1 and 19 more transcripts); c.1827del, p.Lys612fs (NM_001407649.1, NM_001407670.1, NM_001407671.1 and 11 more transcripts); c.1875del, p.Lys628fs (NM_001407653.1, NM_001407654.1, NM_001407655.1 and 4 more transcripts); and 42 more; short protein forms K607fs, K654fs, K358fs, K651fs, K486fs, K526fs, K543fs, K587fs.
Identifiers: ClinVar variation 266206 (VCV000266206.7), dbSNP rs886039986, ClinGen allele CA10589904.
Genomic context (GRCh38, chr17:43,093,577, plus strand): 5'-TACCTTCCATGAGTTGTAGGTTTCTGCTGTGCCTGACTGGCATTTGGTTGTACTTTTTTT[TC>T]TTTATCTCTTCACTGCTAGAACAACTATCAATTTGCAATTCAGTACAATTAGGTGGGCTT-3'